The following is an entry in ClinVar:

ClinVar aggregate classification (germline): Uncertain significance (1 of 4 stars; one submission).

Conditions:
Aicardi-Goutieres syndrome 4. Identifiers: Orphanet 51, MedGen C1835912, MONDO:0012472, OMIM 610333.

gnomAD v4.1: 1 of 1,614,164 alleles (0.000062%); no homozygotes.

Submission:

Labcorp Genetics (formerly Invitae), Labcorp
Classification: Uncertain significance for Aicardi-Goutieres syndrome 4. Last evaluated: 2021-10-27. Review status: criteria provided, single submitter. Criteria: Invitae Variant Classification Sherloc (09022015). Collection method: clinical testing. Allele origin: germline.
Comment: In summary, the available evidence is currently insufficient to determine the role of this variant in disease. Therefore, it has been classified as a Variant of Uncertain Significance. Algorithms developed to predict the effect of missense changes on protein structure and function are either unavailable or do not agree on the potential impact of this missense change (SIFT: "Tolerated"; PolyPhen-2: "Probably Damaging"; Align-GVGD: "Class C0"). This variant has not been reported in the literature in individuals affected with RNASEH2A-related conditions. This variant is not present in population databases (gnomAD no frequency). This sequence change replaces alanine, a(n) neutral and non-polar amino acid, with serine, a(n) neutral and polar amino acid, at codon 66 of the RNASEH2A protein (p.Ala66Ser).

NM_006397.3(RNASEH2A):c.196G>T (p.Ala66Ser)

Gene: RNASEH2A (ribonuclease H2 subunit A; plus strand). Cytogenetic location: 19p13.13.
Variant type: single nucleotide variant.
Coding change: c.196G>T on transcript NM_006397.3 (MANE Select); coding-DNA position 196, G replaced by T.
Protein change: p.Ala66Ser; replaces alanine 66 with serine.
Molecular consequence: missense variant.
Genome position (GRCh38, 1-based): chr19:12,807,076, G>T. VCF-style: chr19-12807076-G-T. GRCh37 (hg19) VCF-style: chr19-12917890-G-T.
Other names: short protein forms A66S.
Identifiers: ClinVar variation 1351769 (VCV001351769.6), dbSNP rs2145824584, ClinGen allele CA404264367.